The following is an entry in ClinVar:

ClinVar aggregate classification (germline): Uncertain significance. Review status: criteria provided, multiple submitters, no conflicts (2 of 4 stars). 2 submissions from 2 submitters: Uncertain significance (2). Last evaluated 2025-10-10.

Conditions:
TNC-related disorder. Also called: TNC-related condition.

Allele frequency attached by ClinVar (database versions not stated): TOPMed below 0.00001.
gnomAD v4.1: 5 of 1,614,098 alleles (0.00031%); highest among the groups gnomAD compares: African/African-American, 0.004%; no homozygotes.

Submissions (2):

PreventionGenetics, part of Exact Sciences
Classification: Uncertain significance for TNC-related condition. Last evaluated: 2025-10-10. Review status: criteria provided, single submitter. Criteria: ACMG Guidelines, 2015. Collection method: clinical testing. Allele origin: germline.
Comment: The TNC c.5108G>A variant is predicted to result in the amino acid substitution p.Ser1703Asn. To our knowledge, this variant has not been reported in the literature or in a large population database (gnomAD), indicating this variant is rare. At this time, the clinical significance of this variant is uncertain due to the absence of conclusive functional and genetic evidence.

Ambry Genetics
Classification: Uncertain significance. Last evaluated: 2021-09-01. Review status: criteria provided, single submitter. Criteria: Ambry Variant Classification Scheme 2023. Collection method: clinical testing. Allele origin: germline.

NM_002160.4(TNC):c.5108G>A (p.Ser1703Asn)

Gene: TNC (tenascin C; minus strand). Cytogenetic location: 9q33.1.
Variant type: single nucleotide variant.
Coding change: c.5108G>A on transcript NM_002160.4 (MANE Select); coding-DNA position 5108, G replaced by A.
Protein change: p.Ser1703Asn; replaces serine 1703 with asparagine.
Molecular consequence: missense variant.
Genome position (GRCh38, 1-based): chr9:115,046,427, C>T on the plus strand (G>A on the coding strand, the complement: TNC is on the minus strand). VCF-style: chr9-115046427-C-T. GRCh37 (hg19) VCF-style: chr9-117808706-C-T.
Other names: c.4562G>A, p.Ser1521Asn (NM_001410991.1); short protein forms S1703N, S1521N.
Identifiers: ClinVar variation 2247729 (VCV002247729.3), dbSNP rs1831198318, ClinGen allele CA374630548.